The following is an entry in ClinVar:

ClinVar aggregate classification (germline): Uncertain significance (1 of 4 stars; one submission).

Conditions:
Cardiovascular phenotype. Identifiers: MedGen CN230736.

gnomAD v4.1: 63 of 1,613,742 alleles (0.0039%); highest among the groups gnomAD compares: South Asian, 0.066%; 1 homozygote.

Submission:

Ambry Genetics
Classification: Uncertain significance for Cardiovascular phenotype. Last evaluated: 2025-10-14. Review status: criteria provided, single submitter. Criteria: Ambry Variant Classification Scheme 2023. Collection method: clinical testing. Allele origin: germline.
Comment: The p.A21V variant (also known as c.62C>T), located in coding exon 1 of the TECRL gene, results from a C to T substitution at nucleotide position 62. The alanine at codon 21 is replaced by valine, an amino acid with similar properties. This amino acid position is conserved. In addition, this alteration is predicted to be tolerated by in silico analysis. Based on the available evidence, the clinical significance of this variant remains unclear.

NM_001010874.5(TECRL):c.62C>T (p.Ala21Val)

Gene: TECRL (trans-2,3-enoyl-CoA reductase like; minus strand). Cytogenetic location: 4q13.1.
Variant type: single nucleotide variant.
Coding change: c.62C>T on transcript NM_001010874.5 (MANE Select); coding-DNA position 62, C replaced by T.
Protein change: p.Ala21Val; replaces alanine 21 with valine.
Molecular consequence: missense variant.
Genome position (GRCh38, 1-based): chr4:64,409,290, G>A on the plus strand (C>T on the coding strand, the complement: TECRL is on the minus strand). VCF-style: chr4-64409290-G-A. GRCh37 (hg19) VCF-style: chr4-65275008-G-A.
Other names: c.62C>T, p.Ala21Val (NM_001363796.1); short protein forms A21V.
Identifiers: ClinVar variation 4615093 (VCV004615093.1).